The following is an entry in ClinVar:

NM_003482.4(KMT2D):c.5787A>T (p.Gly1929=)

Gene: KMT2D (lysine methyltransferase 2D; minus strand). Cytogenetic location: 12q13.12.
Variant type: single nucleotide variant.
Coding change: c.5787A>T on transcript NM_003482.4 (MANE Select); coding-DNA position 5787, A replaced by T.
Protein change: p.Gly1929=; no amino-acid change (glycine 1929 retained).
Molecular consequence: synonymous variant.
Genome position (GRCh38, 1-based): chr12:49,042,641, T>A on the plus strand (A>T on the coding strand, the complement: KMT2D is on the minus strand). VCF-style: chr12-49042641-T-A. GRCh37 (hg19) VCF-style: chr12-49436424-T-A.
Identifiers: ClinVar variation 4988162 (VCV004988162.1).

ClinVar aggregate classification (germline): Likely benign (1 of 4 stars; one submission).

Conditions:
KMT2D-related disorder. Also called: KMT2D-Related Disorders.

gnomAD v4.1: 4 of 1,612,212 alleles (0.00025%); highest among the groups gnomAD compares: African/African-American, 0.0027%; no homozygotes.

Submission:

PreventionGenetics, part of Exact Sciences
Classification: Likely benign for KMT2D-related condition. Last evaluated: 2025-06-23. Review status: criteria provided, single submitter. Criteria: ACMG Guidelines, 2015. Collection method: clinical testing. Allele origin: germline.
Comment: This variant is classified as likely benign based on ACMG/AMP sequence variant interpretation guidelines (Richards et al. 2015 PMID: 25741868, with internal and published modifications).